The following is an entry in ClinVar:

ClinVar aggregate classification (germline): Benign (1 of 4 stars; one submission).

Conditions:
Fraser syndrome 1 (FRASRS1). Also called: CRYPTOPHTHALMOS WITH OTHER MALFORMATIONS. Identifiers: Orphanet 2052, MedGen C4551480, MONDO:0054737, OMIM 219000.

Allele frequency attached by ClinVar (database versions not stated): gnomAD exomes 0.00045; gnomAD 0.00335 and 0.00361; TOPMed 0.00382; 1000 Genomes Project 30x 0.00437; 1000 Genomes Project 0.00459.
gnomAD v4.1: 578 of 308,942 alleles (0.19%); highest among the groups gnomAD compares: African/African-American, 1.1%; 5 homozygotes.

Submission:

Illumina Laboratory Services, Illumina
Classification: Benign for Fraser syndrome 1. Last evaluated: 2018-01-12. Review status: criteria provided, single submitter. Criteria: ICSL Variant Classification Criteria 13 December 2019. Collection method: clinical testing. Allele origin: germline.
Comment: This variant was observed in the ICSL laboratory as part of a predisposition screen in an ostensibly healthy population. It had not been previously curated by ICSL or reported in the Human Gene Mutation Database (HGMD: prior to June 1st, 2018), and was therefore a candidate for classification through an automated scoring system. Utilizing variant allele frequency, disease prevalence and penetrance estimates, and inheritance mode, an automated score was calculated to assess if this variant is too frequent to cause the disease. Based on the score and internal cut-off values, a variant classified as benign is not then subjected to further curation. The score for this variant resulted in a classification of benign for this disease.

NM_025074.7(FRAS1):c.*258G>A

Gene: FRAS1 (Fraser extracellular matrix complex subunit 1; plus strand). Cytogenetic location: 4q21.21.
Variant type: single nucleotide variant.
Coding change: c.*258G>A on transcript NM_025074.7 (MANE Select); 258 bases downstream of the stop codon, G replaced by A.
Molecular consequence: 3 prime UTR variant.
Genome position (GRCh38, 1-based): chr4:78,541,382, G>A. VCF-style: chr4-78541382-G-A. GRCh37 (hg19) VCF-style: chr4-79462536-G-A.
Identifiers: ClinVar variation 904404 (VCV000904404.4), dbSNP rs114161007, ClinGen allele CA99968820.